The following is an entry in ClinVar:

NM_020207.7(ERCC6L2):c.1472A>G (p.Gln491Arg)

Gene: ERCC6L2 (ERCC excision repair 6 like 2; plus strand). Cytogenetic location: 9q22.32.
Variant type: single nucleotide variant.
Coding change: c.1472A>G on transcript NM_020207.7 (MANE Select); coding-DNA position 1472, A replaced by G.
Protein change: p.Gln491Arg; replaces glutamine 491 with arginine.
Molecular consequence: missense variant. On other transcripts: non-coding transcript variant (1).
Genome position (GRCh38, 1-based): chr9:95,923,318, A>G. VCF-style: chr9-95923318-A-G. GRCh37 (hg19) VCF-style: chr9-98685600-A-G.
Other names: c.1472A>G, p.Gln491Arg (NM_001010895.4, NM_001375291.1, NM_001375292.1 and 2 more transcripts); short protein forms Q491R.
Identifiers: ClinVar variation 4870632 (VCV004870632.1).

ClinVar aggregate classification (germline): Uncertain significance (1 of 4 stars; one submission).

Conditions:
Inborn genetic diseases. Identifiers: MedGen C0950123, MeSH D030342.

gnomAD v4.1: 1 of 1,613,972 alleles (0.000062%); highest among the groups gnomAD compares: Non-Finnish European, 0.000085%; no homozygotes.

Submission:

Ambry Genetics
Classification: Uncertain significance for Inborn genetic diseases. Last evaluated: 2026-06-14. Review status: criteria provided, single submitter. Criteria: Ambry Variant Classification Scheme 2023. Collection method: clinical testing. Allele origin: germline.
Comment: The p.Q491R variant (also known as c.1472A>G), located in coding exon 9 of the ERCC6L2 gene, results from an A to G substitution at nucleotide position 1472. The glutamine at codon 491 is replaced by arginine, an amino acid with highly similar properties. This amino acid position is conserved. In addition, this alteration is predicted to be tolerated by in silico analysis. Based on the available evidence, the clinical significance of this variant remains unclear.